The following is an entry in ClinVar:

NM_001289104.2(PRKCSH):c.564_567del (p.Glu189fs)

Gene: PRKCSH (PRKCSH beta subunit of glucosidase II; plus strand). Cytogenetic location: 19p13.2.
Variant type: Microsatellite.
Coding change: c.564_567del on transcript NM_001289104.2 (MANE Select); coding-DNA positions 564 to 567, 4 bases deleted (AGAG; older notation c.564_567delAGAG).
Protein change: p.Glu189fs; shifts the reading frame from glutamic acid 189.
Molecular consequence: frameshift variant.
Genome position (GRCh38, 1-based): chr19:11,442,481-11,442,484, AGAG deleted; deleting any 4 consecutive bases within chr19:11,442,475-11,442,484 gives the same sequence; the c. name uses the placement nearest the transcript's 3' end. VCF-style (leftmost placement, unchanged base first): chr19-11442474-CAGAG-C. GRCh37 (hg19) VCF-style: chr19-11553289-CAGAG-C.
Other names: c.564_567del, p.Glu189fs (NM_001001329.3, NM_001289102.2, NM_001289103.2 and 3 more transcripts); short protein forms E189fs.
Identifiers: ClinVar variation 1179126 (VCV001179126.2), dbSNP rs749223361, ClinGen allele CA9212880.

ClinVar aggregate classification (germline): Likely pathogenic (1 of 4 stars; one submission).

Conditions:
Polycystic liver disease 1 (PCLD1). Also called: Polycystic liver disease 1 with or without kidney cysts. Identifiers: Orphanet 2924, MedGen C0887850, MONDO:0008265, OMIM 174050.

Submission:

Fulgent Genetics
Classification: Likely pathogenic for Polycystic liver disease 1. Last evaluated: 2021-06-30. Review status: criteria provided, single submitter. Criteria: ACMG Guidelines, 2015. Collection method: clinical testing. Allele origin: unknown.
Comment: This variant has been detected in individual(s) who were sent for testing of Renasight - kidney gene panel.